The following is an entry in ClinVar:

ClinVar aggregate classification (germline): Uncertain significance (0 of 4 stars; one submission).

Conditions:
ADCY3-related disorder. Also called: ADCY3-related condition.

gnomAD v4.1: 9 of 1,592,670 alleles (0.00057%); highest among the groups gnomAD compares: Non-Finnish European, 0.00077%; no homozygotes.

Submission:

PreventionGenetics, part of Exact Sciences
Classification: Uncertain significance for ADCY3-related condition. Last evaluated: 2024-03-28. Review status: no assertion criteria provided. Collection method: clinical testing. Allele origin: germline.
Comment: The ADCY3 c.3310C>T variant is predicted to result in premature protein termination (p.Arg1104*). This nonsense variant occurs in exon 22 of 22. To our knowledge, this variant has not been reported in the literature. This variant is reported in 0.00096% of alleles in individuals of European (Non-Finnish) descent in gnomAD. At this time, the clinical significance of this variant is uncertain due to the absence of conclusive functional and genetic evidence.

NM_004036.5(ADCY3):c.3307C>T (p.Arg1103Ter)

Genes: ADCY3 (adenylate cyclase 3; minus strand), CENPO (centromere protein O; plus strand). Cytogenetic location: 2p23.3.
Variant type: single nucleotide variant.
Coding change: c.3307C>T on transcript NM_004036.5 (MANE Select); coding-DNA position 3307, C replaced by T.
Protein change: p.Arg1103Ter; replaces arginine 1103 with a stop codon.
Molecular consequence: nonsense. On other transcripts: 3 prime UTR variant (4), non-coding transcript variant (3).
Genome position (GRCh38, 1-based): chr2:24,820,060, G>A on the plus strand (C>T on the coding strand, the complement: ADCY3 is on the minus strand). VCF-style: chr2-24820060-G-A. GRCh37 (hg19) VCF-style: chr2-25042929-G-A.
Other names: c.3310C>T, p.Arg1104Ter (NM_001320613.2); c.3373C>T, p.Arg1125Ter (NM_001377128.1); c.3169C>T, p.Arg1057Ter (NM_001377129.1); c.*48C>T (NM_001377130.1); c.2584C>T, p.Arg862Ter (NM_001377131.1); c.3307C>T, p.Arg1103Ter (NM_001377132.1); c.*742G>A (NM_001199803.3, NM_001322101.2, NM_024322.4); short protein forms R1057*, R1103*, R1104*, R1125*, R862*.
Identifiers: ClinVar variation 3353635 (VCV003353635.1).